The following is an entry in ClinVar:

ClinVar aggregate classification (germline): Likely benign (1 of 4 stars; one submission).

gnomAD v4.1: 1 of 1,609,162 alleles (0.000062%); highest among the groups gnomAD compares: Non-Finnish European, 0.000085%; no homozygotes.

Submission:

Mayo Clinic Laboratories, Mayo Clinic
Classification: Likely benign. Last evaluated: 2025-05-06. Review status: criteria provided, single submitter. Criteria: ACMG Guidelines, 2015. Collection method: clinical testing. Allele origin: germline. Observed: 1 variant allele.
Comment: BP4, BP7, PM2_supporting

NM_001079.4(ZAP70):c.1704G>A (p.Leu568=)

Gene: ZAP70 (zeta chain of T cell receptor associated protein kinase 70; plus strand). Cytogenetic location: 2q11.2.
Variant type: single nucleotide variant.
Coding change: c.1704G>A on transcript NM_001079.4 (MANE Select); coding-DNA position 1704, G replaced by A.
Protein change: p.Leu568=; no amino-acid change (leucine 568 retained).
Molecular consequence: synonymous variant.
Genome position (GRCh38, 1-based): chr2:97,738,075, G>A. VCF-style: chr2-97738075-G-A. GRCh37 (hg19) VCF-style: chr2-98354538-G-A.
Other names: p.Leu568=; c.1704G>A, p.Leu568= (NM_001378594.1); c.783G>A, p.Leu261= (NM_207519.2).
Identifiers: ClinVar variation 4684585 (VCV004684585.1).
Genomic context (GRCh38, chr2:97,738,075, plus strand): 5'-CATGGCCTTCATCGAGCAGGGCAAGCGGATGGAGTGCCCACCAGAGTGTCCACCCGAACT[G>A]TACGCACTCATGAGTGACTGCTGGATCTACAAGTGAGTGCCAGTGGGGAGGGGACCCGGC-3'
Protein context (NP_001070.2, residues 558-578): MECPPECPPE[Leu568=]YALMSDCWIY